The following is an entry in ClinVar:

ClinVar aggregate classification (germline): Uncertain significance (1 of 4 stars; one submission).

Conditions:
Cardiovascular phenotype. Identifiers: MedGen CN230736.

Submission:

Ambry Genetics
Classification: Uncertain significance for Cardiovascular phenotype. Last evaluated: 2024-03-18. Review status: criteria provided, single submitter. Criteria: Ambry Variant Classification Scheme 2023. Collection method: clinical testing. Allele origin: germline.
Comment: The c.61399+5G>A intronic variant results from a G to A substitution 5 nucleotides after coding exon 158 in the TTN gene. This nucleotide position is well conserved in available vertebrate species. In silico splice site analysis predicts that this alteration will weaken the native splice donor site. Based on the available evidence, the clinical significance of this alteration remains unclear.

NM_001267550.2(TTN):c.88594+5G>A

Genes: TTN-AS1 (TTN antisense RNA 1; plus strand), TTN (titin; minus strand). Cytogenetic location: 2q31.2.
Variant type: single nucleotide variant.
Coding change: c.88594+5G>A on transcript NM_001267550.2 (MANE Select); 5 bases into the intron after coding-DNA position 88594, G replaced by A.
Molecular consequence: intron variant.
Genome position (GRCh38, 1-based): chr2:178,554,860, C>T on the plus strand (G>A on the coding strand, the complement: TTN is on the minus strand). VCF-style: chr2-178554860-C-T. GRCh37 (hg19) VCF-style: chr2-179419587-C-T.
Other names: c.61399+5G>A (NM_003319.4); c.61975+5G>A (NM_133437.4); c.61774+5G>A (NM_133432.3); c.80890+5G>A (NM_133378.4); c.83671+5G>A (NM_001256850.1).
Identifiers: ClinVar variation 3330047 (VCV003330047.1).
Genomic context (GRCh38, chr2:178,554,860, plus strand): 5'-ACTTGTTCAAAATTACTAAGCTTTAGGCAAATGTAATATGACAGTGGTCTGTATTCAGCA[C>T]CTACCAAGGATCTGTACTCTGATGGTGGCTGAGGCTGAGCCCATGGCATTCCTTAGTTTT-3'